The following is an entry in ClinVar:

NM_177438.3(DICER1):c.3365G>A (p.Cys1122Tyr)

Gene: DICER1 (dicer 1, ribonuclease III; minus strand). Cytogenetic location: 14q32.13.
Variant type: single nucleotide variant.
Coding change: c.3365G>A on transcript NM_177438.3 (MANE Select); coding-DNA position 3365, G replaced by A.
Protein change: p.Cys1122Tyr; replaces cysteine 1122 with tyrosine.
Molecular consequence: missense variant.
Genome position (GRCh38, 1-based): chr14:95,104,031, C>T on the plus strand (G>A on the coding strand, the complement: DICER1 is on the minus strand). VCF-style: chr14-95104031-C-T. GRCh37 (hg19) VCF-style: chr14-95570368-C-T.
Other names: c.3365G>A, p.Cys1122Tyr (NM_001195573.1, NM_001271282.3, NM_001291628.2 and 1 more transcripts); short protein forms C1122Y.
Identifiers: ClinVar variation 947471 (VCV000947471.11), dbSNP rs1891180381, ClinGen allele CA390875734.
Genomic context (GRCh38, chr14:95,104,031, plus strand): 5'-GAGGAGGTTCTATTAGCACCTTGATGTGCAGCATTTTCAGGGACAATTGTGCTGTGCTTA[C>T]AGTAATTATCATTTTCAGCTGAAGAGGAGTTAGAAATTGAGATGAAAGATTTGCTGTCAA-3'
Protein context (NP_803187.1, residues 1112-1132): NSSSAENDNY[Cys1122Tyr]KHSTIVPENA

ClinVar aggregate classification (germline): Uncertain significance. Review status: criteria provided, multiple submitters, no conflicts (2 of 4 stars). 2 submissions from 2 submitters: Uncertain significance (2). Last evaluated 2025-08-18.

Conditions:
DICER1-related tumor predisposition. Also called: DICER1-related pleuropulmonary blastoma cancer predisposition syndrome; DICER1 syndrome. Identifiers: Orphanet 284343, MedGen C3839822, MONDO:0100216.
Hereditary cancer-predisposing syndrome. Also called: Neoplastic Syndromes, Hereditary; Hereditary neoplastic syndrome; Hereditary Cancer Syndrome; Tumor predisposition. Identifiers: Orphanet 140162, MedGen C0027672, MeSH D009386, MONDO:0015356.

Allele frequency attached by ClinVar (database versions not stated): gnomAD exomes below 0.00001; TOPMed 0.00001.
gnomAD v4.1: 2 of 1,614,054 alleles (0.00012%); highest among the groups gnomAD compares: Admixed American, 0.0017%; no homozygotes.

Submissions (2):

Labcorp Genetics (formerly Invitae), Labcorp
Classification: Uncertain significance for DICER1-related tumor predisposition. Last evaluated: 2025-08-18. Review status: criteria provided, single submitter. Criteria: Invitae Variant Classification Sherloc (09022015). Collection method: clinical testing. Allele origin: germline.
Comment: This sequence change replaces cysteine, which is neutral and slightly polar, with tyrosine, which is neutral and polar, at codon 1122 of the DICER1 protein (p.Cys1122Tyr). This variant is not present in population databases (gnomAD no frequency). This variant has not been reported in the literature in individuals affected with DICER1-related conditions. ClinVar contains an entry for this variant (Variation ID: 947471). Invitae Evidence Modeling of protein sequence and biophysical properties (such as structural, functional, and spatial information, amino acid conservation, physicochemical variation, residue mobility, and thermodynamic stability) indicates that this missense variant is not expected to disrupt DICER1 protein function with a negative predictive value of 95%. In summary, the available evidence is currently insufficient to determine the role of this variant in disease. Therefore, it has been classified as a Variant of Uncertain Significance.

Ambry Genetics
Classification: Uncertain significance for Hereditary cancer-predisposing syndrome. Last evaluated: 2023-12-26. Review status: criteria provided, single submitter. Criteria: Ambry Variant Classification Scheme 2023. Collection method: clinical testing. Allele origin: germline.
Comment: The p.C1122Y variant (also known as c.3365G>A), located in coding exon 20 of the DICER1 gene, results from a G to A substitution at nucleotide position 3365. The cysteine at codon 1122 is replaced by tyrosine, an amino acid with highly dissimilar properties. This amino acid position is highly conserved in available vertebrate species. In addition, this alteration is predicted to be deleterious by in silico analysis. Since supporting evidence is limited at this time, the clinical significance of this alteration remains unclear.